The following is an entry in ClinVar:

ClinVar aggregate classification (germline): Uncertain significance (1 of 4 stars; one submission).

Conditions:
Epileptic encephalopathy. Identifiers: MedGen C0543888, HP:0200134.

gnomAD v4.1: 2 of 1,595,102 alleles (0.00013%); highest among the groups gnomAD compares: Admixed American, 0.0035%; no homozygotes.

Submission:

Labcorp Genetics (formerly Invitae), Labcorp
Classification: Uncertain significance for Epileptic encephalopathy. Last evaluated: 2023-05-02. Review status: criteria provided, single submitter. Criteria: Invitae Variant Classification Sherloc (09022015). Collection method: clinical testing. Allele origin: germline.
Comment: In summary, the available evidence is currently insufficient to determine the role of this variant in disease. Therefore, it has been classified as a Variant of Uncertain Significance. Algorithms developed to predict the effect of missense changes on protein structure and function output the following: SIFT: "Not Available"; PolyPhen-2: "Benign"; Align-GVGD: "Not Available". The arginine amino acid residue is found in multiple mammalian species, which suggests that this missense change does not adversely affect protein function. ClinVar contains an entry for this variant (Variation ID: 1473077). This variant has not been reported in the literature in individuals affected with FASN-related conditions. This variant is present in population databases (rs377195488, gnomAD 0.007%). This sequence change replaces glycine, which is neutral and non-polar, with arginine, which is basic and polar, at codon 1323 of the FASN protein (p.Gly1323Arg).

NM_004104.5(FASN):c.3967G>C (p.Gly1323Arg)

Gene: FASN (fatty acid synthase; minus strand). Cytogenetic location: 17q25.3.
Variant type: single nucleotide variant.
Coding change: c.3967G>C on transcript NM_004104.5 (MANE Select); coding-DNA position 3967, G replaced by C.
Protein change: p.Gly1323Arg; replaces glycine 1323 with arginine.
Molecular consequence: missense variant.
Genome position (GRCh38, 1-based): chr17:82,085,637, C>G on the plus strand (G>C on the coding strand, the complement: FASN is on the minus strand). VCF-style: chr17-82085637-C-G. GRCh37 (hg19) VCF-style: chr17-80043513-C-G.
Other names: short protein forms G1323R.
Identifiers: ClinVar variation 1473077 (VCV001473077.8), dbSNP rs377195488, ClinGen allele CA8852238.